The following is an entry in ClinVar:

NM_018897.3(DNAH7):c.2064G>A (p.Arg688=)

Gene: DNAH7 (dynein axonemal heavy chain 7; minus strand). Cytogenetic location: 2q32.3.
Variant type: single nucleotide variant.
Coding change: c.2064G>A on transcript NM_018897.3 (MANE Select); coding-DNA position 2064, G replaced by A.
Protein change: p.Arg688=; no amino-acid change (arginine 688 retained).
Molecular consequence: synonymous variant.
Genome position (GRCh38, 1-based): chr2:195,970,089, C>T on the plus strand (G>A on the coding strand, the complement: DNAH7 is on the minus strand). VCF-style: chr2-195970089-C-T. GRCh37 (hg19) VCF-style: chr2-196834813-C-T.
Identifiers: ClinVar variation 3033165 (VCV003033165.2), dbSNP rs201059016, ClinGen allele CA2036441.

ClinVar aggregate classification (germline): Likely benign (0 of 4 stars; one submission).

Conditions:
DNAH7-related disorder. Also called: DNAH7-related condition.

Allele frequency attached by ClinVar (database versions not stated): ExAC 0.00042; ESP Exome Variant Server 0.00043; TOPMed 0.00045; gnomAD 0.00049; gnomAD exomes 0.00050.
gnomAD v4.1: 798 of 1,595,176 alleles (0.05%); highest among the groups gnomAD compares: Middle Eastern, 0.067%; 1 homozygote.

Submission:

PreventionGenetics, part of Exact Sciences
Classification: Likely benign for DNAH7-related condition. Last evaluated: 2019-06-17. Review status: no assertion criteria provided. Collection method: clinical testing. Allele origin: germline.
Comment: This variant is classified as likely benign based on ACMG/AMP sequence variant interpretation guidelines (Richards et al. 2015 PMID: 25741868, with internal and published modifications).